The following is an entry in ClinVar:

ClinVar aggregate classification (germline): Likely benign. Review status: criteria provided, multiple submitters, no conflicts (2 of 4 stars). 4 submissions from 4 submitters: Likely benign (4). Last evaluated 2025-08-06.

Conditions:
Cardiovascular phenotype. Identifiers: MedGen CN230736.
Autosomal recessive limb-girdle muscular dystrophy type 2J (LGMDR10). Also called: Limb-girdle muscular dystrophy, type 2J; MUSCULAR DYSTROPHY, LIMB-GIRDLE, AUTOSOMAL RECESSIVE 10. Identifiers: Orphanet 140922, MedGen C1837342, MONDO:0012127, OMIM 608807.
Dilated cardiomyopathy 1G (CMD1G). Identifiers: Orphanet 154, MedGen C1858763, MONDO:0011400, OMIM 604145.

Allele frequency attached by ClinVar (database versions not stated): gnomAD exomes below 0.00001; ExAC 0.00001; gnomAD 0.00001 and 0.00002; TOPMed 0.00002; ESP Exome Variant Server 0.00008.
gnomAD v4.1: 4 of 1,613,868 alleles (0.00025%); highest among the groups gnomAD compares: Non-Finnish European, 0.00034%; no homozygotes.

Submissions (4):

Ambry Genetics
Classification: Likely benign for Cardiovascular phenotype. Last evaluated: 2025-08-06. Review status: criteria provided, single submitter. Criteria: Ambry Variant Classification Scheme 2023. Collection method: clinical testing. Allele origin: germline.

Labcorp Genetics (formerly Invitae), Labcorp
Classification: Likely benign for Dilated cardiomyopathy 1G; Autosomal recessive limb-girdle muscular dystrophy type 2J. Last evaluated: 2024-11-02. Review status: criteria provided, single submitter. Criteria: Invitae Variant Classification Sherloc (09022015). Collection method: clinical testing. Allele origin: germline.

Blueprint Genetics
Classification: Likely benign. Last evaluated: 2024-09-13. Review status: criteria provided, single submitter. Criteria: ACMG Guidelines, 2015. Collection method: clinical testing. Allele origin: germline.

GeneDx
Classification: Likely benign. Last evaluated: 2016-11-17. Review status: criteria provided, single submitter. Criteria: GeneDx Variant Classification (06012015). Collection method: clinical testing. Allele origin: germline. Affected: yes.
Comment: This variant is considered likely benign or benign based on one or more of the following criteria: it is a conservative change, it occurs at a poorly conserved position in the protein, it is predicted to be benign by multiple in silico algorithms, and/or has population frequency not consistent with disease.

NM_001267550.2(TTN):c.102882A>G (p.Ser34294=)

Genes: TTN (titin; minus strand), TTN-AS1 (TTN antisense RNA 1; plus strand). Cytogenetic location: 2q31.2.
Variant type: single nucleotide variant.
Coding change: c.102882A>G on transcript NM_001267550.2 (MANE Select); coding-DNA position 102882, A replaced by G.
Protein change: p.Ser34294=; no amino-acid change (serine 34294 retained).
Molecular consequence: synonymous variant.
Genome position (GRCh38, 1-based): chr2:178,533,733, T>C on the plus strand (A>G on the coding strand, the complement: TTN is on the minus strand). VCF-style: chr2-178533733-T-C. GRCh37 (hg19) VCF-style: chr2-179398460-T-C.
Other names: c.97959A>G, p.Ser32653= (NM_001256850.1); c.75687A>G, p.Ser25229= (NM_003319.4); c.95178A>G, p.Ser31726= (NM_133378.4); c.76062A>G, p.Ser25354= (NM_133432.3); c.76263A>G, p.Ser25421= (NM_133437.4).
Identifiers: ClinVar variation 390980 (VCV000390980.12), dbSNP rs373384005, ClinGen allele CA1985692.